The following is an entry in ClinVar:

NM_003036.4(SKI):c.567G>C (p.Leu189=)

Gene: SKI (SKI proto-oncogene; plus strand). Cytogenetic location: 1p36.33.
Variant type: single nucleotide variant.
Coding change: c.567G>C on transcript NM_003036.4 (MANE Select); coding-DNA position 567, G replaced by C.
Protein change: p.Leu189=; no amino-acid change (leucine 189 retained).
Molecular consequence: synonymous variant.
Genome position (GRCh38, 1-based): chr1:2,229,333, G>C. VCF-style: chr1-2229333-G-C. GRCh37 (hg19) VCF-style: chr1-2160772-G-C.
Identifiers: ClinVar variation 510551 (VCV000510551.11), dbSNP rs752411031, ClinGen allele CA536412.

ClinVar aggregate classification (germline): Likely benign. Review status: criteria provided, multiple submitters, no conflicts (2 of 4 stars). 3 submissions from 3 submitters: Likely benign (3). Last evaluated 2025-05-07.

Conditions:
Familial thoracic aortic aneurysm and aortic dissection (TAAD). Also called: Thoracic aortic aneurysms and dissections. Identifiers: Orphanet 91387, MedGen C4707243, MONDO:0019625.
Shprintzen-Goldberg syndrome (SGS). Also called: CRANIOSYNOSTOSIS WITH ARACHNODACTYLY AND ABDOMINAL HERNIAS; Marfanoid disorder with craniosynostosis type 1; Marfanoid craniosynostosis syndrome; Shprintzen-Goldberg marfanoid syndrome; SHPRINTZEN-GOLDBERG CRANIOSYNOSTOSIS SYNDROME. Identifiers: Orphanet 2462, MedGen C1321551, MONDO:0008426, OMIM 182212.

Allele frequency attached by ClinVar (database versions not stated): ExAC 0.00002; TOPMed 0.00006; gnomAD exomes 0.00001; gnomAD 0.00005 and 0.00006.
gnomAD v4.1: 15 of 1,595,476 alleles (0.00094%); highest among the groups gnomAD compares: African/African-American, 0.019%; no homozygotes.

Submissions (3):

Labcorp Genetics (formerly Invitae), Labcorp
Classification: Likely benign for Shprintzen-Goldberg syndrome. Last evaluated: 2025-05-07. Review status: criteria provided, single submitter. Criteria: Invitae Variant Classification Sherloc (09022015). Collection method: clinical testing. Allele origin: germline.

Ambry Genetics
Classification: Likely benign for Familial thoracic aortic aneurysm and aortic dissection. Last evaluated: 2022-05-02. Review status: criteria provided, single submitter. Criteria: Ambry Variant Classification Scheme 2023. Collection method: clinical testing. Allele origin: germline.

GeneDx
Classification: Likely benign. Last evaluated: 2017-07-08. Review status: criteria provided, single submitter. Criteria: GeneDx Variant Classification (06012015). Collection method: clinical testing. Allele origin: germline. Affected: yes.
Comment: This variant is considered likely benign or benign based on one or more of the following criteria: it is a conservative change, it occurs at a poorly conserved position in the protein, it is predicted to be benign by multiple in silico algorithms, and/or has population frequency not consistent with disease.